The following is an entry in ClinVar:

ClinVar aggregate classification (germline): Likely pathogenic (1 of 4 stars; one submission).

Conditions:
Alport syndrome. Also called: Hemorrhagic familial nephritis; Hemorrhagic hereditary nephritis; Congenital hereditary hematuria. Identifiers: Orphanet 63, MedGen C1567741, MONDO:0018965.

Submission:

Natera, Inc.
Classification: Likely pathogenic for Alport syndrome. Last evaluated: 2026-01-20. Review status: criteria provided, single submitter. Criteria: Natera Variant Classification Schema (03/2026). Collection method: clinical testing. Allele origin: germline.
Comment: The c.3284G>T variant in COL4A3 is a missense variant predicted to cause substitution of glycine to valine at amino acid 1095. This variant is rare in the general population with a frequency below the threshold expected for the associated phenotype(s). This variant is located in a functionally critical region of the protein. Computational prediction algorithms indicate this variant is likely to affect gene or protein function. Given the available evidence, this variant is classified as Likely Pathogenic.

NM_000091.5(COL4A3):c.3284G>T (p.Gly1095Val)

Genes: COL4A3 (collagen type IV alpha 3 chain; plus strand), MFF-DT (MFF divergent transcript; minus strand). Cytogenetic location: 2q36.3.
Variant type: single nucleotide variant.
Coding change: c.3284G>T on transcript NM_000091.5 (MANE Select); coding-DNA position 3284, G replaced by T.
Protein change: p.Gly1095Val; replaces glycine 1095 with valine.
Molecular consequence: missense variant.
Genome position (GRCh38, 1-based): chr2:227,293,264, G>T. VCF-style: chr2-227293264-G-T. GRCh37 (hg19) VCF-style: chr2-228157980-G-T.
Other names: short protein forms G1095V.
Identifiers: ClinVar variation 4817245 (VCV004817245.1).